The following is an entry in ClinVar:

NM_001378615.1(CC2D2A):c.2010G>C (p.Glu670Asp)

Genes: CC2D2A (coiled-coil and C2 domain containing 2A; plus strand), FBXL5 (F-box and leucine rich repeat protein 5; minus strand). Cytogenetic location: 4p15.32.
Variant type: single nucleotide variant.
Coding change: c.2010G>C on transcript NM_001378615.1 (MANE Select); coding-DNA position 2010, G replaced by C.
Protein change: p.Glu670Asp; replaces glutamic acid 670 with aspartic acid.
Molecular consequence: missense variant.
Genome position (GRCh38, 1-based): chr4:15,540,843, G>C. VCF-style: chr4-15540843-G-C. GRCh37 (hg19) VCF-style: chr4-15542466-G-C.
Other names: c.2010G>C, p.Glu670Asp (NM_001080522.2); c.1863G>C, p.Glu621Asp (NM_001378617.1); short protein forms E621D, E670D.
Identifiers: ClinVar variation 1353555 (VCV001353555.9), dbSNP rs763596840, ClinGen allele CA2863823.
Genomic context (GRCh38, chr4:15,540,843, plus strand): 5'-GGTGATCTTAGTAAATTATTACTAACTCCACCTGTGAATGGTCTCCTTTTGCAGAGCGGA[G>C]GTCTCGAGAAGGGAGGATGTAAAGAAGCGCTCAGTGTACTTAAAAGTGCTGTTCAACAAC-3'
Protein context (NP_001365544.1, residues 660-680): VTPNDQCPRA[Glu670Asp]VSRREDVKKR

ClinVar aggregate classification (germline): Conflicting classifications of pathogenicity. Review status: criteria provided, conflicting classifications (1 of 4 stars). 3 submissions from 3 submitters: Likely pathogenic (2); Uncertain significance (1). Last evaluated 2025-12-14.

Conditions:
Joubert syndrome. Also called: JOUBERT-BOLTSHAUSER SYNDROME; Familial aplasia of the vermis. Identifiers: Orphanet 475, MedGen C5979921, MONDO:0018772.
Meckel-Gruber syndrome. Also called: DYSENCEPHALIA SPLANCHNOCYSTICA; GRUBER SYNDROME; Dysencephalia splachnocystica. Identifiers: Orphanet 564, MedGen C0265215, MONDO:0018921.
Joubert syndrome 9 (JBTS9). Identifiers: Orphanet 2318, MedGen C2676788, MONDO:0012849, OMIM 612285.
Inborn genetic diseases. Identifiers: MedGen C0950123, MeSH D030342.

Allele frequency attached by ClinVar (database versions not stated): gnomAD exomes below 0.00001.
gnomAD v4.1: 1 of 1,597,830 alleles (0.000063%); highest among the groups gnomAD compares: East Asian, 0.0023%; no homozygotes.

Submissions (3):

Labcorp Genetics (formerly Invitae), Labcorp
Classification: Likely pathogenic for Joubert syndrome; Meckel-Gruber syndrome. Last evaluated: 2025-12-14. Review status: criteria provided, single submitter. Criteria: Invitae Variant Classification Sherloc (09022015). Collection method: clinical testing. Allele origin: germline.
Comment: This sequence change replaces glutamic acid, which is acidic and polar, with aspartic acid, which is acidic and polar, at codon 670 of the CC2D2A protein (p.Glu670Asp). This variant is present in population databases (rs763596840, gnomAD 0.02%). This missense change has been observed in individual(s) with clinical features of Joubert syndrome (internal data). In at least one individual the data is consistent with being in trans (on the opposite chromosome) from a pathogenic variant. ClinVar contains an entry for this variant (Variation ID: 1353555). Invitae Evidence Modeling of protein sequence and biophysical properties (such as structural, functional, and spatial information, amino acid conservation, physicochemical variation, residue mobility, and thermodynamic stability) indicates that this missense variant is expected to disrupt CC2D2A protein function with a positive predictive value of 95%. In summary, the currently available evidence indicates that the variant is pathogenic, but additional data are needed to prove that conclusively. Therefore, this variant has been classified as Likely Pathogenic.

Victorian Clinical Genetics Services, Murdoch Childrens Research Institute
Classification: Likely pathogenic for Joubert syndrome 9. Last evaluated: 2024-10-10. Review status: criteria provided, single submitter. Criteria: ACMG Guidelines, 2015. Collection method: clinical testing. Allele origin: germline. Inheritance: Autosomal recessive inheritance. Affected: yes.
Comment: Based on the classification scheme VCGS_Germline_v1.3.5, this variant is classified as Likely pathogenic. Following criteria are met: 0102 - Loss of function is a known mechanism of disease in this gene and is associated with Joubert syndrome 9, (MIM#612285); Meckel syndrome 6 (MIM#612284) and COACH syndrome (MIM#216360). (I) 0106 - This gene is associated with autosomal recessive disease. (I) 0200 - Variant is predicted to result in a missense amino acid change from glutamic acid to aspartic acid. (I) 0251 - This variant is heterozygous. (I) 0304 - Variant is present in gnomAD <0.01 for a recessive condition (v2: 4 heterozygotes, 0 homozygotes). (SP) 0309 - Multiple alternative amino acid changes at the same position have been observed in gnomAD (v4) (highest allele count: 2 heterozygotes, 0 homozygotes). (I) 0502 - Missense variant with conflicting in silico predictions and high conservation. (I) 0600 - Variant is located in the annotated CC2D2A N-terminal C2 domain (DECIPHER). (I) 0705 - No comparable missense variants have previous evidence for pathogenicity. (I) 0809 - Previous evidence of pathogenicity for this variant is inconclusive. It has been classified as a VUS by a diagnostic laboratory in ClinVar. (I) 0905 - No published segregation evidence has been identified for this variant. (I) 1007 - No published functional evidence has been identified for this variant. (I) 1102 - Strong phenotype match for this individual. (SP) 1201 - Heterozygous variant detected in trans with a pathogenic heterozygous variant (NM_001080522.2:c.3289del; p.(Val1097Phefs*2)) in a recessive disease. (I) Legend: (SP) - Supporting pathogenic, (I) - Information, (SB) - Supporting benign

Ambry Genetics
Classification: Uncertain significance for Inborn genetic diseases. Last evaluated: 2024-03-31. Review status: criteria provided, single submitter. Criteria: Ambry Variant Classification Scheme 2023. Collection method: clinical testing. Allele origin: germline.